The following is an entry in ClinVar:

ClinVar aggregate classification (germline): Uncertain significance (1 of 4 stars; one submission).

gnomAD v4.1: 1 of 1,607,732 alleles (0.000062%); highest among the groups gnomAD compares: Non-Finnish European, 0.000085%; no homozygotes.

Submission:

GeneDx
Classification: Uncertain significance. Last evaluated: 2025-05-01. Review status: criteria provided, single submitter. Criteria: GeneDx Variant Classification Process June 2021. Collection method: clinical testing. Allele origin: germline. Affected: yes.
Comment: Not observed at significant frequency in large population cohorts (gnomAD); In silico analysis supports that this missense variant has a deleterious effect on protein structure/function; Has not been previously published as pathogenic or benign to our knowledge

NM_020719.3(PRR12):c.3316G>T (p.Asp1106Tyr)

Gene: PRR12 (proline rich 12; plus strand). Cytogenetic location: 19q13.33.
Variant type: single nucleotide variant.
Coding change: c.3316G>T on transcript NM_020719.3 (MANE Select); coding-DNA position 3316, G replaced by T.
Protein change: p.Asp1106Tyr; replaces aspartic acid 1106 with tyrosine.
Molecular consequence: missense variant.
Genome position (GRCh38, 1-based): chr19:49,597,651, G>T. VCF-style: chr19-49597651-G-T. GRCh37 (hg19) VCF-style: chr19-50100908-G-T.
Other names: short protein forms D1106Y.
Identifiers: ClinVar variation 4527839 (VCV004527839.1).